The following is an entry in ClinVar:

NM_182943.3(PLOD2):c.1565G>C (p.Gly522Ala)

Gene: PLOD2 (procollagen-lysine,2-oxoglutarate 5-dioxygenase 2; minus strand). Cytogenetic location: 3q24.
Variant type: single nucleotide variant.
Coding change: c.1565G>C on transcript NM_182943.3 (MANE Select); coding-DNA position 1565, G replaced by C.
Protein change: p.Gly522Ala; replaces glycine 522 with alanine.
Molecular consequence: missense variant.
Genome position (GRCh38, 1-based): chr3:146,076,894, C>G on the plus strand (G>C on the coding strand, the complement: PLOD2 is on the minus strand). VCF-style: chr3-146076894-C-G. GRCh37 (hg19) VCF-style: chr3-145794681-C-G.
Other names: c.1502G>C, p.Gly501Ala (NM_000935.3); short protein forms G522A, G501A.
Identifiers: ClinVar variation 901322 (VCV000901322.8), dbSNP rs775017069, ClinGen allele CA2654828.

ClinVar aggregate classification (germline): Uncertain significance. Review status: criteria provided, multiple submitters, no conflicts (2 of 4 stars). 2 submissions from 2 submitters: Uncertain significance (2). Last evaluated 2024-10-07.

Conditions:
Bruck syndrome 2 (BRKS2). Also called: OSTEOGENESIS IMPERFECTA WITH CONGENITAL JOINT CONTRACTURES. Identifiers: Orphanet 2771, MedGen C1836602, MONDO:0012217, OMIM 609220.

Allele frequency attached by ClinVar (database versions not stated): ExAC 0.00001; TOPMed 0.00001.
gnomAD v4.1: 7 of 1,510,708 alleles (0.00046%); highest among the groups gnomAD compares: Admixed American, 0.0017%; no homozygotes.

Submissions (2):

Labcorp Genetics (formerly Invitae), Labcorp
Classification: Uncertain significance. Last evaluated: 2024-10-07. Review status: criteria provided, single submitter. Criteria: Invitae Variant Classification Sherloc (09022015). Collection method: clinical testing. Allele origin: germline.
Comment: This sequence change replaces glycine, which is neutral and non-polar, with alanine, which is neutral and non-polar, at codon 522 of the PLOD2 protein (p.Gly522Ala). This variant is present in population databases (rs775017069, gnomAD 0.003%). This variant has not been reported in the literature in individuals affected with PLOD2-related conditions. ClinVar contains an entry for this variant (Variation ID: 901322). An algorithm developed to predict the effect of missense changes on protein structure and function (PolyPhen-2) suggests that this variant is likely to be disruptive. Algorithms developed to predict the effect of sequence changes on RNA splicing suggest that this variant may disrupt the consensus splice site. In summary, the available evidence is currently insufficient to determine the role of this variant in disease. Therefore, it has been classified as a Variant of Uncertain Significance.

Illumina Laboratory Services, Illumina
Classification: Uncertain significance for Bruck syndrome 2. Last evaluated: 2018-01-12. Review status: criteria provided, single submitter. Criteria: ICSL Variant Classification Criteria 13 December 2019. Collection method: clinical testing. Allele origin: germline.